The following is an entry in ClinVar:

NM_004447.6(EPS8):c.1789C>A (p.Arg597Ser)

Gene: EPS8 (EGFR pathway substrate 8, signaling adaptor; minus strand). Cytogenetic location: 12p12.3.
Variant type: single nucleotide variant.
Coding change: c.1789C>A on transcript NM_004447.6 (MANE Select); coding-DNA position 1789, C replaced by A.
Protein change: p.Arg597Ser; replaces arginine 597 with serine.
Molecular consequence: missense variant.
Genome position (GRCh38, 1-based): chr12:15,640,735, G>T on the plus strand (C>A on the coding strand, the complement: EPS8 is on the minus strand). VCF-style: chr12-15640735-G-T. GRCh37 (hg19) VCF-style: chr12-15793669-G-T.
Other names: short protein forms R597S.
Identifiers: ClinVar variation 666827 (VCV000666827.5), dbSNP rs754905499, ClinGen allele CA6467445.

ClinVar aggregate classification (germline): Uncertain significance. Review status: criteria provided, multiple submitters, no conflicts (2 of 4 stars). 2 submissions from 2 submitters: Uncertain significance (2). Last evaluated 2023-12-17.

Conditions:
Inborn genetic diseases. Identifiers: MedGen C0950123, MeSH D030342.

Allele frequency attached by ClinVar (database versions not stated): TOPMed 0.00002.
gnomAD v4.1: 103 of 1,613,738 alleles (0.0064%); highest among the groups gnomAD compares: Middle Eastern, 0.016%; no homozygotes.

Submissions (2):

Ambry Genetics
Classification: Uncertain significance for Inborn genetic diseases. Last evaluated: 2023-12-17. Review status: criteria provided, single submitter. Criteria: Ambry Variant Classification Scheme 2023. Collection method: clinical testing. Allele origin: germline.

Laboratory for Molecular Medicine, Mass General Brigham Personalized Medicine
Classification: Uncertain significance. Last evaluated: 2018-07-18. Review status: criteria provided, single submitter. Criteria: LMM Criteria. Collection method: clinical testing. Allele origin: germline. Observed: 1 variant allele.
Comment: The p.Arg597Ser variant in ESP8 has not been previously reported in individuals with hearing loss but has been identified in 8/111520 European chromosomes by th e Genome Aggregation Database (gnomAD; dbSNP r s754905499). Computational prediction tools and conservation analysis do not pro vide strong support for or against an impact to the protein. In summary, the cli nical significance of the p.Arg597Ser variant is uncertain. ACMG/AMP Criteria a pplied: PM2_Supporting.